The following is an entry in ClinVar:

ClinVar aggregate classification (germline): Uncertain significance (1 of 4 stars; one submission).

Conditions:
Neonatal-onset encephalopathy with rigidity and seizures. Also called: Lethal neonatal spasticity-epileptic encephalopathy syndrome. Identifiers: Orphanet 435845, MedGen C3281029, MONDO:0013784, OMIM 614498.

Allele frequency attached by ClinVar (database versions not stated): ExAC 0.00001; gnomAD exomes 0.00002; TOPMed 0.00002.

Submission:

Labcorp Genetics (formerly Invitae), Labcorp
Classification: Uncertain significance for Neonatal-onset encephalopathy with rigidity and seizures. Last evaluated: 2022-02-04. Review status: criteria provided, single submitter. Criteria: Invitae Variant Classification Sherloc (09022015). Collection method: clinical testing. Allele origin: germline.
Comment: This sequence change replaces valine, which is neutral and non-polar, with methionine, which is neutral and non-polar, at codon 260 of the BRAT1 protein (p.Val260Met). The frequency data for this variant in the population databases is considered unreliable, as metrics indicate poor data quality at this position in the gnomAD database. This variant has not been reported in the literature in individuals affected with BRAT1-related conditions. ClinVar contains an entry for this variant (Variation ID: 540151). Algorithms developed to predict the effect of missense changes on protein structure and function output the following: SIFT: "Tolerated"; PolyPhen-2: "Benign"; Align-GVGD: "Class C0". The methionine amino acid residue is found in multiple mammalian species, which suggests that this missense change does not adversely affect protein function. In summary, the available evidence is currently insufficient to determine the role of this variant in disease. Therefore, it has been classified as a Variant of Uncertain Significance.

NM_152743.4(BRAT1):c.778G>A (p.Val260Met)

Gene: BRAT1 (BRCA1 associated ATM activator 1; minus strand). Cytogenetic location: 7p22.3.
Variant type: single nucleotide variant.
Coding change: c.778G>A on transcript NM_152743.4 (MANE Select); coding-DNA position 778, G replaced by A.
Protein change: p.Val260Met; replaces valine 260 with methionine.
Molecular consequence: missense variant. On other transcripts: non-coding transcript variant (1).
Genome position (GRCh38, 1-based): chr7:2,543,615, C>T on the plus strand (G>A on the coding strand, the complement: BRAT1 is on the minus strand). VCF-style: chr7-2543615-C-T. GRCh37 (hg19) VCF-style: chr7-2583249-C-T.
Other names: c.778G>A, p.Val260Met (NM_001350626.2); c.253G>A, p.Val85Met (NM_001350627.2); short protein forms V260M, V85M.
Identifiers: ClinVar variation 540151 (VCV000540151.6), dbSNP rs774718814, ClinGen allele CA4128097.